The following is an entry in ClinVar:

ClinVar aggregate classification (germline): Uncertain significance. Review status: criteria provided, single submitter (1 of 4 stars). 2 submissions from 2 submitters: Uncertain significance (1). 1 of the submissions does not count toward it. Last evaluated 2025-08-31.

Conditions:
Duchenne muscular dystrophy (DMD). Also called: Duchenne Muscular Dystrophy (DMD); MUSCULAR DYSTROPHY, PSEUDOHYPERTROPHIC PROGRESSIVE, DUCHENNE TYPE. Identifiers: Orphanet 98896, MedGen C0013264, MONDO:0010679, OMIM 310200.
Cardiomyopathy (CMYO). Also called: Cardiomyopathies. Identifiers: Orphanet 167848, MedGen C0878544, MONDO:0004994, HP:0001638. Inheritance: Various modes of inheritance.
Dystrophin deficiency.
Becker muscular dystrophy (BMD). Also called: MUSCULAR DYSTROPHY, PSEUDOHYPERTROPHIC PROGRESSIVE, BECKER TYPE; Becker Muscular Dystrophy (BMD). Identifiers: Orphanet 98895, MedGen C0917713, MONDO:0010311, OMIM 300376.

Submissions (2):

Labcorp Genetics (formerly Invitae), Labcorp
Classification: Uncertain significance for Duchenne muscular dystrophy. Last evaluated: 2025-08-31. Review status: criteria provided, single submitter. Criteria: Invitae Variant Classification Sherloc (09022015). Collection method: clinical testing. Allele origin: germline.
Comment: This sequence change replaces threonine, which is neutral and polar, with serine, which is neutral and polar, at codon 309 of the DMD protein (p.Thr309Ser). This variant is not present in population databases (gnomAD no frequency). This variant has not been reported in the literature in individuals affected with DMD-related conditions. ClinVar contains an entry for this variant (Variation ID: 937961). Invitae Evidence Modeling of protein sequence and biophysical properties (such as structural, functional, and spatial information, amino acid conservation, physicochemical variation, residue mobility, and thermodynamic stability) indicates that this missense variant is not expected to disrupt DMD protein function with a negative predictive value of 95%. In summary, the available evidence is currently insufficient to determine the role of this variant in disease. Therefore, it has been classified as a Variant of Uncertain Significance.

Natera, Inc.
Classification: Uncertain significance for Becker muscular dystrophy; Cardiomyopathy; Duchenne muscular dystrophy; Dystrophin deficiency. Last evaluated: 2021-01-25. Review status: no assertion criteria provided. Collection method: clinical testing. Allele origin: germline. Not counted in ClinVar's aggregate classification.

NM_004006.3(DMD):c.925A>T (p.Thr309Ser)

Gene: DMD (dystrophin; minus strand). Cytogenetic location: Xp21.1.
Variant type: single nucleotide variant.
Coding change: c.925A>T on transcript NM_004006.3 (MANE Select); coding-DNA position 925, A replaced by T.
Protein change: p.Thr309Ser; replaces threonine 309 with serine.
Molecular consequence: missense variant.
Genome position (GRCh38, 1-based): chrX:32,697,905, T>A on the plus strand (A>T on the coding strand, the complement: DMD is on the minus strand). VCF-style: chrX-32697905-T-A. GRCh37 (hg19) VCF-style: chrX-32716022-T-A.
Other names: c.901A>T, p.Thr301Ser (NM_000109.4); c.913A>T, p.Thr305Ser (NM_004009.3); c.556A>T, p.Thr186Ser (NM_004010.3); short protein forms T309S, T301S, T186S, T305S.
Identifiers: ClinVar variation 937961 (VCV000937961.10), dbSNP rs2063773668, ClinGen allele CA412668470.